The following is an entry in ClinVar:

NM_004259.7(RECQL5):c.875-2A>G

Gene: RECQL5 (RecQ like helicase 5; minus strand). Cytogenetic location: 17q25.1.
Variant type: single nucleotide variant.
Coding change: c.875-2A>G on transcript NM_004259.7 (MANE Select); the canonical splice acceptor site of the intron before coding-DNA position 875, A replaced by G.
Molecular consequence: splice acceptor variant.
Genome position (GRCh38, 1-based): chr17:75,661,068, T>C on the plus strand (A>G on the coding strand, the complement: RECQL5 is on the minus strand). VCF-style: chr17-75661068-T-C. GRCh37 (hg19) VCF-style: chr17-73657148-T-C.
Other names: c.875-2A>G (NM_001003716.4, NM_001003715.4).
Identifiers: ClinVar variation 4983115 (VCV004983115.1).

ClinVar aggregate classification (germline): Uncertain significance (1 of 4 stars; one submission).

Conditions:
RECQL5-related disorder. Also called: RECQL5-related condition.

Submission:

PreventionGenetics, part of Exact Sciences
Classification: Uncertain significance for RECQL5-related condition. Last evaluated: 2025-03-06. Review status: criteria provided, single submitter. Criteria: ACMG Guidelines, 2015. Collection method: clinical testing. Allele origin: germline.
Comment: The RECQL5 c.875-2A>G variant is predicted to disrupt the AG splice acceptor site and interfere with normal splicing. This variant was reported in an individual with non-small cell lung cancer (Table S3, Wang et al. 2022. PubMed ID: 36113475). This variant has not been reported in a large population database (gnomAD), indicating this variant is rare. At the time of reporting, this variant has not been reported in ClinVar. Although we suspect this variant may be pathogenic, at this time, the clinical significance of this variant is uncertain due to the absence of conclusive functional and genetic evidence.